The following is an entry in ClinVar:

NM_001211.6(BUB1B):c.2192T>C (p.Leu731Pro)

Gene: BUB1B (BUB1 mitotic checkpoint serine/threonine kinase B; plus strand). Cytogenetic location: 15q15.1.
Variant type: single nucleotide variant.
Coding change: c.2192T>C on transcript NM_001211.6 (MANE Select); coding-DNA position 2192, T replaced by C.
Protein change: p.Leu731Pro; replaces leucine 731 with proline.
Molecular consequence: missense variant.
Genome position (GRCh38, 1-based): chr15:40,209,683, T>C. VCF-style: chr15-40209683-T-C. GRCh37 (hg19) VCF-style: chr15-40501884-T-C.
Other names: short protein forms L731P.
Identifiers: ClinVar variation 3483157 (VCV003483157.1).

ClinVar aggregate classification (germline): Uncertain significance (1 of 4 stars; one submission).

Conditions:
Inborn genetic diseases. Identifiers: MedGen C0950123, MeSH D030342.

Submission:

Ambry Genetics
Classification: Uncertain significance for Inborn genetic diseases. Last evaluated: 2024-07-27. Review status: criteria provided, single submitter. Criteria: Ambry Variant Classification Scheme 2023. Collection method: clinical testing. Allele origin: germline.
Comment: The p.L731P variant (also known as c.2192T>C), located in coding exon 17 of the BUB1B gene, results from a T to C substitution at nucleotide position 2192. The leucine at codon 731 is replaced by proline, an amino acid with similar properties. This amino acid position is conserved. In addition, this alteration is predicted to be tolerated by in silico analysis. Based on the available evidence, the clinical significance of this variant remains unclear.